The following is an entry in ClinVar:

NM_153700.2(STRC):c.4403G>A (p.Arg1468Gln)

Gene: STRC (stereocilin; minus strand). Cytogenetic location: 15q15.3.
Variant type: single nucleotide variant.
Coding change: c.4403G>A on transcript NM_153700.2 (MANE Select); coding-DNA position 4403, G replaced by A.
Protein change: p.Arg1468Gln; replaces arginine 1468 with glutamine.
Molecular consequence: missense variant.
Genome position (GRCh38, 1-based): chr15:43,603,384, C>T on the plus strand (G>A on the coding strand, the complement: STRC is on the minus strand). VCF-style: chr15-43603384-C-T. GRCh37 (hg19) VCF-style: chr15-43895582-C-T.
Other names: short protein forms R1468Q.
Identifiers: ClinVar variation 2471405 (VCV002471405.2), dbSNP rs867666766, ClinGen allele CA270008615.

ClinVar aggregate classification (germline): Uncertain significance (1 of 4 stars; one submission).

Conditions:
Inborn genetic diseases. Identifiers: MedGen C0950123, MeSH D030342.

gnomAD v4.1: 6 of 1,613,694 alleles (0.00037%); highest among the groups gnomAD compares: Non-Finnish European, 0.00051%; no homozygotes.

Submission:

Ambry Genetics
Classification: Uncertain significance for Inborn genetic diseases. Last evaluated: 2023-02-15. Review status: criteria provided, single submitter. Criteria: Ambry Variant Classification Scheme 2023. Collection method: clinical testing. Allele origin: germline.
Comment: The c.4403G>A (p.R1468Q) alteration is located in exon 23 (coding exon 23) of the STRC gene. This alteration results from a G to A substitution at nucleotide position 4403, causing the arginine (R) at amino acid position 1468 to be replaced by a glutamine (Q). This variant was not reported in population-based cohorts in the Genome Aggregation Database (gnomAD). This amino acid position is highly conserved in available vertebrate species. This alteration is predicted to be tolerated by in silico analysis. Based on insufficient or conflicting evidence, the clinical significance of this alteration remains unclear.